The following is an entry in ClinVar:

NM_000231.3(SGCG):c.253_254del (p.Glu85fs)

Gene: SGCG (sarcoglycan gamma; plus strand). Cytogenetic location: 13q12.12.
Variant type: Deletion.
Coding change: c.253_254del on transcript NM_000231.3 (MANE Select); coding-DNA positions 253 to 254, 2 bases deleted (GA; older notation c.253_254delGA).
Protein change: p.Glu85fs; shifts the reading frame from glutamic acid 85.
Molecular consequence: frameshift variant.
Genome position (GRCh38, 1-based): chr13:23,234,668-23,234,669, GA deleted; deleting any 2 consecutive bases within chr13:23,234,667-23,234,669 gives the same sequence; the c. name uses the placement nearest the transcript's 3' end. VCF-style (leftmost placement, unchanged base first): chr13-23234666-CAG-C. GRCh37 (hg19) VCF-style: chr13-23808805-CAG-C.
Other names: c.307_308del, p.Glu103fs (NM_001378244.1); c.253_254del, p.Glu85fs (NM_001378245.1, NM_001378246.1); short protein forms E103fs, E85fs.
Identifiers: ClinVar variation 1726070 (VCV001726070.2), dbSNP rs2541900238, ClinGen allele CA645580097.

ClinVar aggregate classification (germline): Likely pathogenic (1 of 4 stars; one submission).

Conditions:
Autosomal recessive limb-girdle muscular dystrophy type 2C (LGMDR5). Also called: MUSCULAR DYSTROPHY, LIMB-GIRDLE, AUTOSOMAL RECESSIVE 5; MUSCULAR DYSTROPHY, DUCHENNE-LIKE. Identifiers: Orphanet 353, MedGen C0410173, MONDO:0009677, OMIM 253700. Disease mechanism: Affects gamma-sarcoglycan and also disrupts the integrity of the entire sarcoglycan complex..

Submission:

Myriad Genetics, Inc.
Classification: Likely pathogenic for Autosomal recessive limb-girdle muscular dystrophy type 2C. Last evaluated: 2022-05-18. Review status: criteria provided, single submitter. Criteria: Myriad Women's Health Autosomal Recessive and X-Linked Classification Criteria (2021). Collection method: clinical testing. Allele origin: unknown.
Comment: NM_000231.2(SGCG):c.253_254delGA(E85Ifs*70) is expected to be pathogenic in the context of gamma-sarcoglycanopathy. This variant is predicted to lead to an abnormal or absent protein product due to the creation of a premature termination codon in SGCG, a gene where loss-of-function variants are known to be pathogenic. Please note: this variant was assessed in the context of healthy population screening.